The following is an entry in ClinVar:

NM_003676.4(DEGS1):c.110T>C (p.Met37Thr)

Gene: DEGS1 (delta 4-desaturase, sphingolipid 1; plus strand). Cytogenetic location: 1q42.11.
Variant type: single nucleotide variant.
Coding change: c.110T>C on transcript NM_003676.4 (MANE Select); coding-DNA position 110, T replaced by C.
Protein change: p.Met37Thr; replaces methionine 37 with threonine.
Molecular consequence: missense variant. On other transcripts: initiator codon variant (1).
Genome position (GRCh38, 1-based): chr1:224,189,604, T>C. VCF-style: chr1-224189604-T-C. GRCh37 (hg19) VCF-style: chr1-224377306-T-C.
Other names: c.110T>C, p.Met37Thr (NM_001321541.2); c.2T>C, p.Met1Thr (NM_001321542.2); short protein forms M1T, M37T.
Identifiers: ClinVar variation 805856 (VCV000805856.4), dbSNP rs1388884067, ClinGen allele CA344708458.

ClinVar aggregate classification (germline): Conflicting classifications of pathogenicity. Review status: criteria provided, conflicting classifications (1 of 4 stars). 3 submissions from 3 submitters: Likely pathogenic (1); Uncertain significance (2). Last evaluated 2024-03-25.

Conditions:
Leukodystrophy, hypomyelinating, 18. Identifiers: MedGen C5193078, MONDO:0032730, OMIM 618404.

Submissions (3):

Fulgent Genetics
Classification: Likely pathogenic for Leukodystrophy, hypomyelinating, 18. Last evaluated: 2024-03-25. Review status: criteria provided, single submitter. Criteria: ACMG Guidelines, 2015. Collection method: clinical testing. Allele origin: germline.

Revvity Omics, Revvity
Classification: Uncertain significance for Leukodystrophy, hypomyelinating, 18. Last evaluated: 2024-03-04. Review status: criteria provided, single submitter. Criteria: ACMG Guidelines, 2015. Collection method: clinical testing. Allele origin: germline.

SIB Swiss Institute of Bioinformatics
Classification: Uncertain significance for Leukodystrophy, hypomyelinating, 18. Last evaluated: 2019-09-25. Review status: criteria provided, single submitter. Criteria: ACMG Guidelines, 2015. Collection method: curation. Allele origin: unknown.
Comment: This variant is interpreted as a variant of uncertain significance for Leukodystrophy, hypomyelinating, 18, autosomal recessive. The following ACMG Tag(s) were applied: PM2, PP3.

Literature cited by the submitters: PubMed 30620337 (cited by SIB Swiss Institute of Bioinformatics).